The following is an entry in ClinVar:

NM_001267550.2(TTN):c.93886G>A (p.Val31296Ile)

Genes: TTN-AS1 (TTN antisense RNA 1; plus strand), TTN (titin; minus strand). Cytogenetic location: 2q31.2.
Variant type: single nucleotide variant.
Coding change: c.93886G>A on transcript NM_001267550.2 (MANE Select); coding-DNA position 93886, G replaced by A.
Protein change: p.Val31296Ile; replaces valine 31296 with isoleucine.
Molecular consequence: missense variant.
Genome position (GRCh38, 1-based): chr2:178,547,740, C>T on the plus strand (G>A on the coding strand, the complement: TTN is on the minus strand). VCF-style: chr2-178547740-C-T. GRCh37 (hg19) VCF-style: chr2-179412467-C-T.
Other names: p.V29655I:GTT>ATT; c.88963G>A, p.Val29655Ile (NM_001256850.1); c.66691G>A, p.Val22231Ile (NM_003319.4); c.86182G>A, p.Val28728Ile (NM_133378.4); c.67066G>A, p.Val22356Ile (NM_133432.3); c.67267G>A, p.Val22423Ile (NM_133437.4); short protein forms V29655I, V31296I, V22231I, V22423I, V28728I, V22356I.
Identifiers: ClinVar variation 202996 (VCV000202996.3), dbSNP rs794729534, ClinGen allele CA310926.

ClinVar aggregate classification (germline): Uncertain significance. Review status: criteria provided, multiple submitters, no conflicts (2 of 4 stars). 2 submissions from 2 submitters: Uncertain significance (2). Last evaluated 2021-09-01.

Conditions:
Myopathy, myofibrillar, 9, with early respiratory failure (MFM9). Also called: EDSTROM MYOPATHY; MYOPATHY, PROXIMAL, WITH EARLY RESPIRATORY MUSCLE INVOLVEMENT; Myopathy, distal, with early respiratory failure, autosomal dominant; Hereditary myopathy with early respiratory failure. Identifiers: Orphanet 178464, Orphanet 34521, MedGen C1863599, MONDO:0011362, OMIM 603689.
Early-onset myopathy with fatal cardiomyopathy (CMYO5). Also called: CONGENITAL MYOPATHY 5 WITH CARDIOMYOPATHY; Salih Myopathy. Identifiers: Orphanet 289377, MedGen C2673677, MONDO:0012714, OMIM 611705. Disease mechanism: loss of function.
Hypertrophic cardiomyopathy 9. Also called: Familial hypertrophic cardiomyopathy 9. Identifiers: MedGen C1861065, MONDO:0013412, OMIM 613765.
Dilated cardiomyopathy 1G (CMD1G). Identifiers: Orphanet 154, MedGen C1858763, MONDO:0011400, OMIM 604145.
Tibial muscular dystrophy (TMD). Also called: UDD MYOPATHY; Tibial muscular dystrophy, tardive; Udd Distal Myopathy – Tibial Muscular Dystrophy. Identifiers: Orphanet 609, MedGen C1838244, MONDO:0010870, OMIM 600334.
Autosomal recessive limb-girdle muscular dystrophy type 2J (LGMDR10). Also called: MUSCULAR DYSTROPHY, LIMB-GIRDLE, AUTOSOMAL RECESSIVE 10; Limb-girdle muscular dystrophy, type 2J. Identifiers: Orphanet 140922, MedGen C1837342, MONDO:0012127, OMIM 608807.

Allele frequency attached by ClinVar (database versions not stated): gnomAD exomes 0.00001; gnomAD 0.00003; TOPMed 0.00003.
gnomAD v4.1: 9 of 1,613,494 alleles (0.00056%); highest among the groups gnomAD compares: African/African-American, 0.011%; no homozygotes.

Submissions (2):

Fulgent Genetics
Classification: Uncertain significance for Tibial muscular dystrophy; Myopathy, myofibrillar, 9, with early respiratory failure; Dilated cardiomyopathy 1G; Autosomal recessive limb-girdle muscular dystrophy type 2J; Early-onset myopathy with fatal cardiomyopathy; Hypertrophic cardiomyopathy 9. Last evaluated: 2021-09-01. Review status: criteria provided, single submitter. Criteria: ACMG Guidelines, 2015. Collection method: clinical testing. Allele origin: unknown.

GeneDx
Classification: Uncertain significance. Last evaluated: 2017-01-09. Review status: criteria provided, single submitter. Criteria: GeneDx Variant Classification (06012015). Collection method: clinical testing. Allele origin: germline. Affected: yes.
Comment: Missense variants in the TTN gene are considered 'unclassified' if they are not previously reported in the literature and do not have >1% frequency in the population to be considered a polymorphism. Research indicates that truncating mutations in the TTN gene are expected to account for approximately 25% of familial and 18% of sporadic idiopathic DCM; however, truncating variants in the TTN gene have been reported in approximately 3% of reported control alleles. There has been little investigation into non-truncating variants. (Herman D et al. Truncations of titin causing dilated cardiomyopathy. N Eng J Med 366:619-628, 2012) The variant is found in DCM panel(s).